The following is an entry in ClinVar:

NM_006086.4(TUBB3):c.904G>T (p.Ala302Ser)

Gene: TUBB3 (tubulin beta 3 class III; plus strand). Cytogenetic location: 16q24.3.
Variant type: single nucleotide variant.
Coding change: c.904G>T on transcript NM_006086.4 (MANE Select); coding-DNA position 904, G replaced by T.
Protein change: p.Ala302Ser; replaces alanine 302 with serine.
Molecular consequence: missense variant.
Genome position (GRCh38, 1-based): chr16:89,935,355, G>T. VCF-style: chr16-89935355-G-T. GRCh37 (hg19) VCF-style: chr16-90001763-G-T.
Other names: c.904G>T (NM_006086.3); c.688G>T, p.Ala230Ser (NM_001197181.2); short protein forms A302S, A230S.
Identifiers: ClinVar variation 2744601 (VCV002744601.4), dbSNP rs267607163, ClinGen allele CA397475844.

ClinVar aggregate classification (germline): Pathogenic/Likely pathogenic. Review status: criteria provided, multiple submitters, no conflicts (2 of 4 stars). 2 submissions from 2 submitters: Pathogenic (1); Likely pathogenic (1). Last evaluated 2026-01-26.

Conditions:
TUBB3-related disorder. Also called: TUBB3-related disorders; TUBB3-related condition.

Submissions (2):

PreventionGenetics, part of Exact Sciences
Classification: Likely pathogenic for TUBB3-related condition. Last evaluated: 2026-01-26. Review status: criteria provided, single submitter. Criteria: ACMG Guidelines, 2015. Collection method: clinical testing. Allele origin: germline.
Comment: The TUBB3 c.904G>T variant is predicted to result in the amino acid substitution p.Ala302Ser. To our knowledge, this variant has not been reported in the literature or in a large population database (gnomAD), indicating this variant is rare. An outside laboratory reported this variant as occurring de novo in a patient with features of cortical dysplasia (ClinVar ID: 2744601). Alternate missense changes at the same amino acid position (p.Ala302Thr, p.Ala302Val) have been reported in individuals affected with TUBB3-related disorders (Tischfield et al. 2010. PubMed ID: 20074521; Poirier et al. 2010. PubMed ID: 20829227). This variant is interpreted as likely pathogenic.

Labcorp Genetics (formerly Invitae), Labcorp
Classification: Pathogenic. Last evaluated: 2023-09-11. Review status: criteria provided, single submitter. Criteria: Invitae Variant Classification Sherloc (09022015). Collection method: clinical testing. Allele origin: germline.
Comment: For these reasons, this variant has been classified as Pathogenic. This variant disrupts the p.Ala302 amino acid residue in TUBB3. Other variant(s) that disrupt this residue have been determined to be pathogenic (PMID: 20074521, 29382549, 31226147). This suggests that this residue is clinically significant, and that variants that disrupt this residue are likely to be disease-causing. Advanced modeling of protein sequence and biophysical properties (such as structural, functional, and spatial information, amino acid conservation, physicochemical variation, residue mobility, and thermodynamic stability) performed at Invitae indicates that this missense variant is not expected to disrupt TUBB3 protein function. This missense change has been observed in individual(s) with clinical features consistent with cortical dysplasia (Invitae). In at least one individual the variant was observed to be de novo. This variant is not present in population databases (gnomAD no frequency). This sequence change replaces alanine, which is neutral and non-polar, with serine, which is neutral and polar, at codon 302 of the TUBB3 protein (p.Ala302Ser).

Literature cited by the submitters: PubMed 20074521 (cited by Labcorp Genetics (formerly Invitae), Labcorp); PubMed 29382549 (cited by Labcorp Genetics (formerly Invitae), Labcorp); PubMed 31226147 (cited by Labcorp Genetics (formerly Invitae), Labcorp).